The following is an entry in ClinVar:

ClinVar aggregate classification (germline): Uncertain significance (1 of 4 stars; one submission).

Submission:

Ambry Genetics
Classification: Uncertain significance. Last evaluated: 2024-12-21. Review status: criteria provided, single submitter. Criteria: Ambry Variant Classification Scheme 2023. Collection method: clinical testing. Allele origin: germline.
Comment: The p.Y46C variant (also known as c.137A>G), located in coding exon 1 of the MYOM1 gene, results from an A to G substitution at nucleotide position 137. The tyrosine at codon 46 is replaced by cysteine, an amino acid with highly dissimilar properties. This amino acid position is conserved. In addition, the in silico prediction for this alteration is inconclusive. Based on the available evidence, the clinical significance of this variant remains unclear.

NM_003803.4(MYOM1):c.137A>G (p.Tyr46Cys)

Gene: MYOM1 (myomesin 1; minus strand). Cytogenetic location: 18p11.31.
Variant type: single nucleotide variant.
Coding change: c.137A>G on transcript NM_003803.4 (MANE Select); coding-DNA position 137, A replaced by G.
Protein change: p.Tyr46Cys; replaces tyrosine 46 with cysteine.
Molecular consequence: missense variant.
Genome position (GRCh38, 1-based): chr18:3,215,087, T>C on the plus strand (A>G on the coding strand, the complement: MYOM1 is on the minus strand). VCF-style: chr18-3215087-T-C. GRCh37 (hg19) VCF-style: chr18-3215085-T-C.
Other names: c.137A>G, p.Tyr46Cys (NM_019856.2); short protein forms Y46C.
Identifiers: ClinVar variation 3877132 (VCV003877132.1).